The following is an entry in ClinVar:

NM_182548.4(LHFPL5):c.266_274dup (p.Ser91_Arg92insIleProSer)

Gene: LHFPL5 (LHFPL tetraspan subfamily member 5; plus strand). Cytogenetic location: 6p21.31.
Variant type: Duplication.
Coding change: c.266_274dup on transcript NM_182548.4 (MANE Select); coding-DNA positions 266 to 274, 9 bases duplicated (TCCCCTCTA; older notation c.266_274dupTCCCCTCTA).
Protein change: p.Ser91_Arg92insIleProSer.
Molecular consequence: inframe insertion.
Genome position (GRCh38, 1-based): chr6:35,805,936-35,805,944, TCCCCTCTA duplicated; duplicating any 9 consecutive bases within chr6:35,805,935-35,805,944 gives the same sequence; the c. name uses the placement nearest the transcript's 3' end. VCF-style (leftmost placement, unchanged base first): chr6-35805934-C-CATCCCCTCT. GRCh37 (hg19) VCF-style: chr6-35773711-C-CATCCCCTCT.
Identifiers: ClinVar variation 3253326 (VCV003253326.2), dbSNP rs755245295.
Genomic context (GRCh38, chr6:35,805,934, plus strand): 5'-CGTGGGTAACGTGCTGTCCTCCGAGCTCATCTGCAAGGGCGGCCCCCTAGACTTCTCCTC[C>CATCCCCTCT]ATCCCCTCTAGAGCCTTCAAGACTGCCATGTTCTTTGTGGCCTTGGGCATGTTCCTCATC-3'

ClinVar aggregate classification (germline): Conflicting classifications of pathogenicity. Review status: criteria provided, conflicting classifications (1 of 4 stars). 2 submissions from 2 submitters: Likely pathogenic (1); Uncertain significance (1). Last evaluated 2025-03-25.

Conditions:
Autosomal recessive nonsyndromic hearing loss 67. Identifiers: Orphanet 90636, MedGen C1853223, MONDO:0012460, OMIM 610265.

Submissions (2):

Clinical Genetics Laboratory, University Hospital Schleswig-Holstein
Classification: Likely pathogenic for Autosomal recessive nonsyndromic hearing loss 67. Last evaluated: 2025-03-25. Review status: criteria provided, single submitter. Criteria: ACMG Guidelines, 2015. Collection method: clinical testing. Allele origin: paternal. Affected: yes. Observed: 1 compound heterozygote.
Comment: ACMG criteria applied: PM2, PM4, PM3, PP4

GeneDx
Classification: Uncertain significance. Last evaluated: 2023-10-03. Review status: criteria provided, single submitter. Criteria: GeneDx Variant Classification Process June 2021. Collection method: clinical testing. Allele origin: germline. Affected: yes.
Comment: In-frame insertion of 3 amino acids in a non-repeat region; Not observed at significant frequency in large population cohorts (gnomAD); Has not been previously published as pathogenic or benign to our knowledge